The following is an entry in ClinVar:

ClinVar aggregate classification (germline): Conflicting classifications of pathogenicity. Review status: criteria provided, conflicting classifications (1 of 4 stars). 6 submissions from 4 submitters: Uncertain significance (4); Likely benign (2). Last evaluated 2025-12-31.

Conditions:
Amyotrophic lateral sclerosis type 5 (ALS5). Also called: AMYOTROPHIC LATERAL SCLEROSIS 5, JUVENILE. Identifiers: Orphanet 300605, MedGen C1865864, MONDO:0011196, OMIM 602099.
Charcot-Marie-Tooth disease axonal type 2X. Also called: CHARCOT-MARIE-TOOTH NEUROPATHY, TYPE 2X; CHARCOT-MARIE-TOOTH DISEASE, AXONAL, AUTOSOMAL RECESSIVE, TYPE 2X. Identifiers: Orphanet 466775, MedGen C5569024, MONDO:0014726, OMIM 616668.
Hereditary spastic paraplegia 11. Also called: SPASTIC PARAPLEGIA, AUTOSOMAL RECESSIVE, COMPLICATED, WITH THIN CORPUS CALLOSUM; SPASTIC PARAPLEGIA, AUTOSOMAL RECESSIVE, WITH MENTAL IMPAIRMENT AND THIN CORPUS CALLOSUM; Nakamura Osame syndrome; Autosomal recessive hereditary spastic paraplegia, mental impairment, and thin corpus callosum; Spastic paraplegia, mental retardation and thin corpus callosum; Spastic Paraplegia 11. Identifiers: Orphanet 2822, MedGen C1858479, MONDO:0011445, OMIM 604360.

Allele frequency attached by ClinVar (database versions not stated): gnomAD 0.00001; gnomAD exomes 0.00001; ExAC 0.00002; TOPMed 0.00002; ESP Exome Variant Server 0.00015.
gnomAD v4.1: 14 of 1,613,776 alleles (0.00087%); highest among the groups gnomAD compares: South Asian, 0.0044%; no homozygotes.

Submissions (6):

Labcorp Genetics (formerly Invitae), Labcorp
Classification: Likely benign for Hereditary spastic paraplegia 11. Last evaluated: 2025-12-31. Review status: criteria provided, single submitter. Criteria: Invitae Variant Classification Sherloc (09022015). Collection method: clinical testing. Allele origin: germline.

Mayo Clinic Laboratories, Mayo Clinic
Classification: Likely benign. Last evaluated: 2025-06-24. Review status: criteria provided, single submitter. Criteria: ACMG Guidelines, 2015. Collection method: clinical testing. Allele origin: germline. Observed: 1 variant allele.
Comment: BP4, BP7

Illumina Laboratory Services, Illumina
Classification: Uncertain significance for Hereditary spastic paraplegia 11. Last evaluated: 2018-01-12. Review status: criteria provided, single submitter. Criteria: ICSL Variant Classification Criteria 13 December 2019. Collection method: clinical testing. Allele origin: germline.

Genome-Nilou Lab
Classification: Uncertain significance for Amyotrophic lateral sclerosis type 5. Review status: criteria provided, single submitter. Criteria: ACMG Guidelines, 2015. Collection method: clinical testing. Allele origin: germline.

Genome-Nilou Lab
Classification: Uncertain significance for Charcot-Marie-Tooth disease axonal type 2X. Review status: criteria provided, single submitter. Criteria: ACMG Guidelines, 2015. Collection method: clinical testing. Allele origin: germline.

Genome-Nilou Lab
Classification: Uncertain significance for Hereditary spastic paraplegia 11. Review status: criteria provided, single submitter. Criteria: ACMG Guidelines, 2015. Collection method: clinical testing. Allele origin: germline.

NM_025137.4(SPG11):c.6726A>G (p.Gln2242=)

Gene: SPG11 (SPG11 vesicle trafficking associated, spatacsin; minus strand). Cytogenetic location: 15q21.1.
Variant type: single nucleotide variant.
Coding change: c.6726A>G on transcript NM_025137.4 (MANE Select); coding-DNA position 6726, A replaced by G.
Protein change: p.Gln2242=; no amino-acid change (glutamine 2242 retained).
Molecular consequence: synonymous variant.
Genome position (GRCh38, 1-based): chr15:44,567,452, T>C on the plus strand (A>G on the coding strand, the complement: SPG11 is on the minus strand). VCF-style: chr15-44567452-T-C. GRCh37 (hg19) VCF-style: chr15-44859650-T-C.
Other names: p.Gln2242=; c.6387A>G, p.Gln2129= (NM_001160227.2).
Identifiers: ClinVar variation 887760 (VCV000887760.11), dbSNP rs376245210, ClinGen allele CA7534035.